The following is an entry in ClinVar:

NM_001354712.2(THRB):c.*4340G>A

Gene: THRB (thyroid hormone receptor beta; minus strand). Cytogenetic location: 3p24.2.
Variant type: single nucleotide variant.
Coding change: c.*4340G>A on transcript NM_001354712.2 (MANE Select); 4340 bases downstream of the stop codon, G replaced by A.
Molecular consequence: 3 prime UTR variant.
Genome position (GRCh38, 1-based): chr3:24,118,544, C>T on the plus strand (G>A on the coding strand, the complement: THRB is on the minus strand). VCF-style: chr3-24118544-C-T. GRCh37 (hg19) VCF-style: chr3-24160035-C-T.
Other names: c.*4340G>A (NM_000461.5, NM_001128176.3, NM_001128177.2 and 8 more transcripts).
Identifiers: ClinVar variation 344558 (VCV000344558.5), dbSNP rs78543378, ClinGen allele CA10616015.

ClinVar aggregate classification (germline): Benign (1 of 4 stars; one submission).

Conditions:
Thyroid hormone resistance, generalized, autosomal dominant (GRTHD). Also called: HYPERTHYROXINEMIA, FAMILIAL EUTHYROID, SECONDARY TO PITUITARY AND PERIPHERAL RESISTANCE TO THYROID HORMONES. Identifiers: MedGen C2937288, MONDO:0008569, OMIM 188570.

Allele frequency attached by ClinVar (database versions not stated): 1000 Genomes Project 0.02336; gnomAD 0.02372 and 0.02551; 1000 Genomes Project 30x 0.02452; TOPMed 0.02680.

Submission:

Illumina Laboratory Services, Illumina
Classification: Benign for Thyroid hormone resistance, generalized, autosomal dominant. Last evaluated: 2018-01-13. Review status: criteria provided, single submitter. Criteria: ICSL Variant Classification Criteria 13 December 2019. Collection method: clinical testing. Allele origin: germline.
Comment: This variant was observed in the ICSL laboratory as part of a predisposition screen in an ostensibly healthy population. It had not been previously curated by ICSL or reported in the Human Gene Mutation Database (HGMD: prior to June 1st, 2018), and was therefore a candidate for classification through an automated scoring system. Utilizing variant allele frequency, disease prevalence and penetrance estimates, and inheritance mode, an automated score was calculated to assess if this variant is too frequent to cause the disease. Based on the score and internal cut-off values, a variant classified as benign is not then subjected to further curation. The score for this variant resulted in a classification of benign for this disease.